The following is an entry in ClinVar:

ClinVar aggregate classification (germline): Likely benign. Review status: criteria provided, multiple submitters, no conflicts (2 of 4 stars). 2 submissions from 2 submitters: Likely benign (2). Last evaluated 2024-11-23.

Submissions (2):

Labcorp Genetics (formerly Invitae), Labcorp
Classification: Likely benign. Last evaluated: 2024-11-23. Review status: criteria provided, single submitter. Criteria: Invitae Variant Classification Sherloc (09022015). Collection method: clinical testing. Allele origin: germline.

CeGaT Center for Human Genetics Tuebingen
Classification: Likely benign. Last evaluated: 2024-09-01. Review status: criteria provided, single submitter. Criteria: CeGaT Center For Human Genetics Tuebingen Variant Classification Criteria Version 2. Collection method: clinical testing. Allele origin: germline. Affected: yes. Observed: 1 variant allele.
Comment: VPS13C: BP4, BP7

NM_020821.3(VPS13C):c.5169A>G (p.Gln1723=)

Gene: VPS13C (vacuolar protein sorting 13 homolog C; minus strand). Cytogenetic location: 15q22.2.
Variant type: single nucleotide variant.
Coding change: c.5169A>G on transcript NM_020821.3 (MANE Select); coding-DNA position 5169, A replaced by G.
Protein change: p.Gln1723=; no amino-acid change (glutamine 1723 retained).
Molecular consequence: synonymous variant.
Genome position (GRCh38, 1-based): chr15:61,942,047, T>C on the plus strand (A>G on the coding strand, the complement: VPS13C is on the minus strand). VCF-style: chr15-61942047-T-C. GRCh37 (hg19) VCF-style: chr15-62234246-T-C.
Other names: c.5169A>G, p.Gln1723= (NM_001018088.3); c.5040A>G, p.Gln1680= (NM_017684.5, NM_018080.4).
Identifiers: ClinVar variation 3388972 (VCV003388972.16).